The following is an entry in ClinVar:

ClinVar aggregate classification (germline): Pathogenic (1 of 4 stars; one submission).

Submission:

ISCA site 17
Classification: Pathogenic. Last evaluated: 2011-08-12. Review status: criteria provided, single submitter. Criteria: Kaminsky et al. (Genet Med. 2011). Collection method: clinical testing. Allele origin: unknown. Affected: yes. Observed: 1 variant allele.
Comment: Copy number variation identified through the course of routine clinical cytogenomic testing in postnatal populations. Clinical assertions have been curated as described in Kaminsky et al. 2011.

GRCh37/hg19 17q23-24(chr17:59209629-64222315)x3

Genes: ACE (angiotensin I converting enzyme; plus strand), APOH (apolipoprotein H; minus strand), AXIN2 (axin 2; minus strand), BCAS3 (BCAS3 microtubule associated cell migration factor; plus strand), BRIP1 (BRCA1 interacting DNA helicase 1; minus strand) and 45 more. Cytogenetic location: 17q23-24.
Variant type: copy number gain.
Change: copy number 3 (three copies instead of two) of chr17:59,209,629-64,222,315 (5.01 Mb, GRCh37 coordinates, 1-based), cytogenetic band 17q23-24.
Identifiers: ClinVar variation 58702 (VCV000058702.1).